The following is an entry in ClinVar:

ClinVar aggregate classification (germline): Conflicting classifications of pathogenicity. Review status: criteria provided, conflicting classifications (1 of 4 stars). 4 submissions from 4 submitters: Uncertain significance (1); Likely benign (1). 2 of the submissions do not count toward it. Last evaluated 2024-09-30.

Conditions:
Hereditary cancer-predisposing syndrome. Also called: Tumor predisposition; Neoplastic Syndromes, Hereditary; Hereditary neoplastic syndrome; Hereditary Cancer Syndrome. Identifiers: Orphanet 140162, MedGen C0027672, MeSH D009386, MONDO:0015356.
Hereditary breast ovarian cancer syndrome. Also called: Hereditary breast and ovarian cancer; Hereditary breast and ovarian cancer syndrome (HBOC); Hereditary breast and ovarian cancer syndrome; BRCA1- and BRCA2-Associated Hereditary Breast and Ovarian Cancer; Breast and ovarian cancer; Hereditary breast and/or ovarian cancer syndrome. Identifiers: Orphanet 145, MedGen C0677776, MeSH D061325, MONDO:0003582. Disease mechanism: loss of function.
Breast-ovarian cancer, familial, susceptibility to, 2 (BROVCA2). Also called: BRCA2 Hereditary Breast and Ovarian Cancer. Identifiers: Orphanet 145, MedGen C2675520, MONDO:0012933, OMIM 612555. Disease mechanism: loss of function.

Submissions (4):

Labcorp Genetics (formerly Invitae), Labcorp
Classification: Uncertain significance for Hereditary breast ovarian cancer syndrome. Last evaluated: 2024-09-30. Review status: criteria provided, single submitter. Criteria: Invitae Variant Classification Sherloc (09022015). Collection method: clinical testing. Allele origin: germline.
Comment: This sequence change replaces glutamine, which is neutral and polar, with histidine, which is basic and polar, at codon 1994 of the BRCA2 protein (p.Gln1994His). This variant is not present in population databases (gnomAD no frequency). This variant has not been reported in the literature in individuals affected with BRCA2-related conditions. ClinVar contains an entry for this variant (Variation ID: 156492). Invitae Evidence Modeling of protein sequence and biophysical properties (such as structural, functional, and spatial information, amino acid conservation, physicochemical variation, residue mobility, and thermodynamic stability) indicates that this missense variant is not expected to disrupt BRCA2 protein function with a negative predictive value of 95%. In summary, the available evidence is currently insufficient to determine the role of this variant in disease. Therefore, it has been classified as a Variant of Uncertain Significance.

University of Washington Department of Laboratory Medicine, University of Washington
Classification: Likely benign for Hereditary cancer-predisposing syndrome. Last evaluated: 2023-03-23. Review status: criteria provided, single submitter. Criteria: Dines et al. (Genet Med. 2020). Collection method: curation. Allele origin: germline.
Comment: Missense variant in a coldspot region where missense variants are very unlikely to be pathogenic (PMID:31911673).

BRCA2 exon 11 coldspot. Reclassification based on statistical prior probability.

Counsyl
Classification: Uncertain significance for Breast-ovarian cancer, familial, susceptibility to, 2. Last evaluated: 2018-05-25. Review status: no assertion criteria provided. Collection method: clinical testing. Allele origin: unknown. Not counted in ClinVar's aggregate classification.

Pathway Genomics
Classification: Uncertain significance for Breast-ovarian cancer, familial 2. Last evaluated: 2014-07-24. Review status: no assertion criteria provided. Collection method: clinical testing. Allele origin: germline. Not counted in ClinVar's aggregate classification.

NM_000059.4(BRCA2):c.5982A>T (p.Gln1994His)

Gene: BRCA2 (BRCA2 DNA repair associated; plus strand). Cytogenetic location: 13q13.1.
Variant type: single nucleotide variant.
Coding change: c.5982A>T on transcript NM_000059.4 (MANE Select); coding-DNA position 5982, A replaced by T.
Protein change: p.Gln1994His; replaces glutamine 1994 with histidine.
Molecular consequence: missense variant.
Genome position (GRCh38, 1-based): chr13:32,340,337, A>T. VCF-style: chr13-32340337-A-T. GRCh37 (hg19) VCF-style: chr13-32914474-A-T.
Other names: short protein forms Q1994H.
Identifiers: ClinVar variation 156492 (VCV000156492.11), dbSNP rs587783043, ClinGen allele CA023447.